The following is an entry in ClinVar:

ClinVar aggregate classification (germline): Uncertain significance. Review status: criteria provided, multiple submitters, no conflicts (2 of 4 stars). 2 submissions from 2 submitters: Uncertain significance (2). Last evaluated 2026-06-17.

Conditions:
Inborn genetic diseases. Identifiers: MedGen C0950123, MeSH D030342.
GRIA4-related disorder. Also called: GRIA4-related condition.

gnomAD v4.1: 5 of 1,610,514 alleles (0.00031%); highest among the groups gnomAD compares: African/African-American, 0.0067%; no homozygotes.

Submissions (2):

Ambry Genetics
Classification: Uncertain significance for Inborn genetic diseases. Last evaluated: 2026-06-17. Review status: criteria provided, single submitter. Criteria: Ambry Variant Classification Scheme 2023. Collection method: clinical testing. Allele origin: germline.
Comment: The c.911G>C (p.G304A) alteration is located in exon 8 (coding exon 7) of the GRIA4 gene. This alteration results from a G to C substitution at nucleotide position 911, causing the glycine (G) at amino acid position 304 to be replaced by an alanine (A). Based on data from gnomAD, the C allele has an overall frequency of <0.001% (1/251184) total alleles studied. The highest observed frequency was 0.006% (1/16248) of African alleles. Based on insufficient or conflicting evidence, the clinical significance of this alteration remains unclear.

PreventionGenetics, part of Exact Sciences
Classification: Uncertain significance for GRIA4-related condition. Last evaluated: 2024-10-17. Review status: criteria provided, single submitter. Criteria: ACMG Guidelines, 2015. Collection method: clinical testing. Allele origin: germline.
Comment: The GRIA4 c.911G>C variant is predicted to result in the amino acid substitution p.Gly304Ala. To our knowledge, this variant has not been reported in the literature. This variant is reported in 0.0062% of alleles in individuals of African descent in gnomAD. At this time, the clinical significance of this variant is uncertain due to the absence of conclusive functional and genetic evidence.

NM_000829.4(GRIA4):c.911G>C (p.Gly304Ala)

Gene: GRIA4 (glutamate ionotropic receptor AMPA type subunit 4; plus strand). Cytogenetic location: 11q22.3.
Variant type: single nucleotide variant.
Coding change: c.911G>C on transcript NM_000829.4 (MANE Select); coding-DNA position 911, G replaced by C.
Protein change: p.Gly304Ala; replaces glycine 304 with alanine.
Molecular consequence: missense variant. On other transcripts: non-coding transcript variant (1).
Genome position (GRCh38, 1-based): chr11:105,903,839, G>C. VCF-style: chr11-105903839-G-C. GRCh37 (hg19) VCF-style: chr11-105774565-G-C.
Other names: c.911G>C, p.Gly304Ala (NM_001440389.1, NM_001440390.1, NM_001440391.1 and 20 more transcripts); short protein forms G304A.
Identifiers: ClinVar variation 4980080 (VCV004980080.2).